The following is an entry in ClinVar:

ClinVar aggregate classification (germline): Uncertain significance. Review status: criteria provided, multiple submitters, no conflicts (2 of 4 stars). 2 submissions from 2 submitters: Uncertain significance (2). Last evaluated 2025-02-11.

Conditions:
LRRC45-related disorder. Also called: LRRC45-related condition.

gnomAD v4.1: 36 of 1,575,988 alleles (0.0023%); highest among the groups gnomAD compares: Middle Eastern, 0.017%; no homozygotes.

Submissions (2):

PreventionGenetics, part of Exact Sciences
Classification: Uncertain significance for LRRC45-related condition. Last evaluated: 2025-02-11. Review status: criteria provided, single submitter. Criteria: ACMG Guidelines, 2015. Collection method: clinical testing. Allele origin: germline.
Comment: The LRRC45 c.1061G>A variant is predicted to result in the amino acid substitution p.Arg354Gln. To our knowledge, this variant has not been reported in the literature. This variant is reported in 0.0063% of alleles in individuals of East Asian descent in gnomAD. At this time, the clinical significance of this variant is uncertain due to the absence of conclusive functional and genetic evidence.

Ambry Genetics
Classification: Uncertain significance. Last evaluated: 2025-01-19. Review status: criteria provided, single submitter. Criteria: Ambry Variant Classification Scheme 2023. Collection method: clinical testing. Allele origin: germline.

NM_144999.4(LRRC45):c.1061G>A (p.Arg354Gln)

Gene: LRRC45 (leucine rich repeat containing 45; plus strand). Cytogenetic location: 17q25.3.
Variant type: single nucleotide variant.
Coding change: c.1061G>A on transcript NM_144999.4 (MANE Select); coding-DNA position 1061, G replaced by A.
Protein change: p.Arg354Gln; replaces arginine 354 with glutamine.
Molecular consequence: missense variant.
Genome position (GRCh38, 1-based): chr17:82,028,247, G>A. VCF-style: chr17-82028247-G-A. GRCh37 (hg19) VCF-style: chr17-79986123-G-A.
Other names: c.1061G>A (NM_144999.3); short protein forms R354Q.
Identifiers: ClinVar variation 3868530 (VCV003868530.2).